The following is an entry in ClinVar:

ClinVar aggregate classification (germline): Uncertain significance (1 of 4 stars; one submission).

gnomAD v4.1: 1 of 1,613,894 alleles (0.000062%); highest among the groups gnomAD compares: Non-Finnish European, 0.000085%; no homozygotes.

Submission:

GeneDx
Classification: Uncertain significance. Last evaluated: 2023-05-24. Review status: criteria provided, single submitter. Criteria: GeneDx Variant Classification Process June 2021. Collection method: clinical testing. Allele origin: germline. Affected: yes.
Comment: Not observed at significant frequency in large population cohorts (gnomAD); Missense variants in this gene are often considered pathogenic (HGMD); In silico analysis supports that this missense variant has a deleterious effect on protein structure/function; This substitution is predicted to be within the transmembrane segment S2 of the fourth homologous domain; Has not been previously published as pathogenic or benign to our knowledge

NM_001040142.2(SCN2A):c.4714G>T (p.Val1572Phe)

Gene: SCN2A (sodium voltage-gated channel alpha subunit 2; plus strand). Cytogenetic location: 2q24.3.
Variant type: single nucleotide variant.
Coding change: c.4714G>T on transcript NM_001040142.2 (MANE Select); coding-DNA position 4714, G replaced by T.
Protein change: p.Val1572Phe; replaces valine 1572 with phenylalanine.
Molecular consequence: missense variant.
Genome position (GRCh38, 1-based): chr2:165,386,908, G>T. VCF-style: chr2-165386908-G-T. GRCh37 (hg19) VCF-style: chr2-166243418-G-T.
Other names: c.4714G>T, p.Val1572Phe (NM_001040143.2, NM_001371246.1, NM_001371247.1 and 1 more transcripts); short protein forms V1572F.
Identifiers: ClinVar variation 3361996 (VCV003361996.1).